The following is an entry in ClinVar:

NM_020631.6(PLEKHG5):c.2933C>T (p.Ala978Val)

Gene: PLEKHG5 (pleckstrin homology and RhoGEF domain containing G5; minus strand). Cytogenetic location: 1p36.31.
Variant type: single nucleotide variant.
Coding change: c.2933C>T on transcript NM_020631.6 (MANE Select); coding-DNA position 2933, C replaced by T.
Protein change: p.Ala978Val; replaces alanine 978 with valine.
Molecular consequence: missense variant. On other transcripts: intron variant (1).
Genome position (GRCh38, 1-based): chr1:6,467,903, G>A on the plus strand (C>T on the coding strand, the complement: PLEKHG5 is on the minus strand). VCF-style: chr1-6467903-G-A. GRCh37 (hg19) VCF-style: chr1-6527963-G-A.
Other names: c.3044C>T, p.Ala1015Val (NM_001042663.3, NM_001265592.2); c.2933C>T, p.Ala978Val (NM_001042664.2, NM_001042665.2, NM_198681.4); c.3140C>T, p.Ala1047Val (NM_001265593.2); c.2738-5C>T (NM_001265594.3); short protein forms A978V, A1047V, A1015V.
Identifiers: ClinVar variation 574034 (VCV000574034.8), dbSNP rs150133974, ClinGen allele CA17233211.

ClinVar aggregate classification (germline): Uncertain significance. Review status: criteria provided, multiple submitters, no conflicts (2 of 4 stars). 2 submissions from 2 submitters: Uncertain significance (2). Last evaluated 2025-01-20.

Conditions:
Neuronopathy, distal hereditary motor, autosomal recessive 4. Also called: NEUROPATHY, DISTAL HEREDITARY MOTOR, AUTOSOMAL RECESSIVE 4; Autosomal recessive lower motor neuron disease with childhood onset. Identifiers: Orphanet 206580, MedGen C1970211, MONDO:0012608, OMIM 611067.
Charcot-Marie-Tooth disease recessive intermediate C. Also called: CHARCOT-MARIE-TOOTH NEUROPATHY, RECESSIVE INTERMEDIATE C. Identifiers: Orphanet 369867, MedGen C3809309, MONDO:0014154, OMIM 615376.
Inborn genetic diseases. Identifiers: MedGen C0950123, MeSH D030342.

Allele frequency attached by ClinVar (database versions not stated): gnomAD exomes below 0.00001 and 0.00002; gnomAD 0.00001; TOPMed 0.00001; ESP Exome Variant Server 0.00008.
gnomAD v4.1: 10 of 1,606,546 alleles (0.00062%); highest among the groups gnomAD compares: Non-Finnish European, 0.00085%; no homozygotes.

Submissions (2):

Ambry Genetics
Classification: Uncertain significance for Inborn genetic diseases. Last evaluated: 2025-01-20. Review status: criteria provided, single submitter. Criteria: Ambry Variant Classification Scheme 2023. Collection method: clinical testing. Allele origin: germline.

Labcorp Genetics (formerly Invitae), Labcorp
Classification: Uncertain significance for Neuronopathy, distal hereditary motor, autosomal recessive 4; Charcot-Marie-Tooth disease recessive intermediate C. Last evaluated: 2022-06-04. Review status: criteria provided, single submitter. Criteria: Invitae Variant Classification Sherloc (09022015). Collection method: clinical testing. Allele origin: germline.
Comment: This sequence change replaces alanine, which is neutral and non-polar, with valine, which is neutral and non-polar, at codon 978 of the PLEKHG5 protein (p.Ala978Val). The frequency data for this variant in the population databases is considered unreliable, as metrics indicate poor data quality at this position in the gnomAD database. This variant has not been reported in the literature in individuals affected with PLEKHG5-related conditions. ClinVar contains an entry for this variant (Variation ID: 574034). Algorithms developed to predict the effect of missense changes on protein structure and function output the following: SIFT: "Tolerated"; PolyPhen-2: "Benign"; Align-GVGD: "Class C0". The valine amino acid residue is found in multiple mammalian species, which suggests that this missense change does not adversely affect protein function. In summary, the available evidence is currently insufficient to determine the role of this variant in disease. Therefore, it has been classified as a Variant of Uncertain Significance.